The following is an entry in ClinVar:

ClinVar aggregate classification (germline): Likely benign (1 of 4 stars; one submission).

Submission:

CeGaT Center for Human Genetics Tuebingen
Classification: Likely benign. Last evaluated: 2024-10-01. Review status: criteria provided, single submitter. Criteria: CeGaT Center For Human Genetics Tuebingen Variant Classification Criteria Version 2. Collection method: clinical testing. Allele origin: germline. Affected: yes. Observed: 2 variant alleles.
Comment: LRTM3: PM2:Supporting, BP4, BP7

NM_001146197.3(LRTM3):c.6057A>G (p.Lys2019=)

Gene: LRTM3 (leucine rich repeat transmembrane protein 3; minus strand). Cytogenetic location: 13q33.1.
Variant type: single nucleotide variant.
Coding change: c.6057A>G on transcript NM_001146197.3 (MANE Select); coding-DNA position 6057, A replaced by G.
Protein change: p.Lys2019=; no amino-acid change (lysine 2019 retained).
Molecular consequence: synonymous variant.
Genome position (GRCh38, 1-based): chr13:102,744,640, T>C on the plus strand (A>G on the coding strand, the complement: LRTM3 is on the minus strand). VCF-style: chr13-102744640-T-C. GRCh37 (hg19) VCF-style: chr13-103396990-T-C.
Identifiers: ClinVar variation 2643910 (VCV002643910.24), dbSNP rs2504232492, ClinGen allele CA484974355.
Genomic context (GRCh38, chr13:102,744,640, plus strand): 5'-TTGCACTATGTGAGACAAATTCCAAGATCTGCCTTCGGGACTCTTCGGTTCAGATCCTGA[T>C]TTGCAAGGGTCAGGATCTTTCATTTGATGTGTACTGAAACGGAGGTGTTGACTATAGCAT-3'
Protein context (NP_001139669.1, residues 2009-2029): THQMKDPDPC[Lys2019=]SGSEPKSPEG